The following is an entry in ClinVar:

ClinVar aggregate classification (germline): Conflicting classifications of pathogenicity. Review status: criteria provided, conflicting classifications (1 of 4 stars). 4 submissions from 4 submitters: Uncertain significance (2); Likely benign (2). Last evaluated 2026-01-27.

Conditions:
Episodic kinesigenic dyskinesia (EKD). Also called: Paroxysmal kinesigenic dyskinesia. Identifiers: Orphanet 98809, MedGen C1868682, MONDO:0044202.

Allele frequency attached by ClinVar (database versions not stated): gnomAD 0.00003 and 0.00004; TOPMed 0.00005; gnomAD exomes 0.00006; ExAC 0.00007; ESP Exome Variant Server 0.00015.

Submissions (4):

Labcorp Genetics (formerly Invitae), Labcorp
Classification: Likely benign for Episodic kinesigenic dyskinesia. Last evaluated: 2026-01-27. Review status: criteria provided, single submitter. Criteria: Invitae Variant Classification Sherloc (09022015). Collection method: clinical testing. Allele origin: germline.

CeGaT Center for Human Genetics Tuebingen
Classification: Likely benign. Last evaluated: 2025-09-01. Review status: criteria provided, single submitter. Criteria: CeGaT Center For Human Genetics Tuebingen Variant Classification Criteria Version 2. Collection method: clinical testing. Allele origin: germline. Affected: yes. Observed: 3 variant alleles.
Comment: PRRT2: BP4, BS2

Blueprint Genetics
Classification: Uncertain significance. Last evaluated: 2024-11-07. Review status: criteria provided, single submitter. Criteria: ACMG Guidelines, 2015. Collection method: clinical testing. Allele origin: germline.

Eurofins Ntd Llc (ga)
Classification: Uncertain significance. Last evaluated: 2014-06-10. Review status: criteria provided, single submitter. Criteria: EGL Classification Definitions 2015. Collection method: clinical testing. Allele origin: germline. Observed: 1 variant allele, 1 heterozygote.

NM_145239.3(PRRT2):c.224C>T (p.Pro75Leu)

Genes: MVP-DT (MVP divergent transcript; minus strand), PRRT2 (proline rich transmembrane protein 2; plus strand). Cytogenetic location: 16p11.2.
Variant type: single nucleotide variant.
Coding change: c.224C>T on transcript NM_145239.3 (MANE Select); coding-DNA position 224, C replaced by T.
Protein change: p.Pro75Leu; replaces proline 75 with leucine.
Molecular consequence: missense variant.
Genome position (GRCh38, 1-based): chr16:29,813,278, C>T. VCF-style: chr16-29813278-C-T. GRCh37 (hg19) VCF-style: chr16-29824599-C-T.
Other names: c.224C>T, p.Pro75Leu (NM_001256442.2, NM_001256443.2); short protein forms P75L.
Identifiers: ClinVar variation 195407 (VCV000195407.53), dbSNP rs147004110, ClinGen allele CA241833.
Genomic context (GRCh38, chr16:29,813,278, plus strand): 5'-CTGCGGCCCCTGTGGACTCAGGGCCCAAGGCTGGGCTGGCTCCAGAAACCACAGAGACCC[C>T]GGCTGGGGCCTCAGAAACAGCCCAGGCCACAGACCTCAGCTTAAGCCCAGGAGGGGAATC-3'
Protein context (NP_660282.2, residues 65-85): AGLAPETTET[Pro75Leu]AGASETAQAT